The following is an entry in ClinVar:

ClinVar aggregate classification (germline): Uncertain significance. Review status: criteria provided, multiple submitters, no conflicts (2 of 4 stars). 2 submissions from 2 submitters: Uncertain significance (2). Last evaluated 2022-08-05.

Conditions:
Trichohepatoenteric syndrome 2 (THES2). Identifiers: Orphanet 84064, MedGen C3281289, MONDO:0013818, OMIM 614602.

Allele frequency attached by ClinVar (database versions not stated): gnomAD 0.00002 and 0.00004; TOPMed 0.00003; ExAC 0.00009; gnomAD exomes 0.00009 and 0.00010; ESP Exome Variant Server 0.00024.
gnomAD v4.1: 139 of 1,613,024 alleles (0.0086%); highest among the groups gnomAD compares: Middle Eastern, 0.12%; 1 homozygote.

Submissions (2):

Labcorp Genetics (formerly Invitae), Labcorp
Classification: Uncertain significance. Last evaluated: 2022-08-05. Review status: criteria provided, single submitter. Criteria: Invitae Variant Classification Sherloc (09022015). Collection method: clinical testing. Allele origin: germline.
Comment: This sequence change replaces methionine, which is neutral and non-polar, with valine, which is neutral and non-polar, at codon 801 of the SKIV2L protein (p.Met801Val). This variant is present in population databases (rs369020218, gnomAD 0.04%). This variant has not been reported in the literature in individuals affected with SKIV2L-related conditions. ClinVar contains an entry for this variant (Variation ID: 356338). Algorithms developed to predict the effect of missense changes on protein structure and function output the following: SIFT: "Tolerated"; PolyPhen-2: "Benign"; Align-GVGD: "Class C0". The valine amino acid residue is found in multiple mammalian species, which suggests that this missense change does not adversely affect protein function. Algorithms developed to predict the effect of sequence changes on RNA splicing suggest that this variant may create or strengthen a splice site. In summary, the available evidence is currently insufficient to determine the role of this variant in disease. Therefore, it has been classified as a Variant of Uncertain Significance.

Illumina Laboratory Services, Illumina
Classification: Uncertain significance for Trichohepatoenteric syndrome 2. Last evaluated: 2018-01-13. Review status: criteria provided, single submitter. Criteria: ICSL Variant Classification Criteria 13 December 2019. Collection method: clinical testing. Allele origin: germline.

NM_006929.5(SKIC2):c.2401A>G (p.Met801Val)

Gene: SKIC2 (SKI2 subunit of superkiller complex; plus strand). Cytogenetic location: 6p21.33.
Variant type: single nucleotide variant.
Coding change: c.2401A>G on transcript NM_006929.5 (MANE Select); coding-DNA position 2401, A replaced by G.
Protein change: p.Met801Val; replaces methionine 801 with valine.
Molecular consequence: missense variant.
Genome position (GRCh38, 1-based): chr6:31,967,064, A>G. VCF-style: chr6-31967064-A-G. GRCh37 (hg19) VCF-style: chr6-31934841-A-G.
Other names: short protein forms M801V.
Identifiers: ClinVar variation 356338 (VCV000356338.9), dbSNP rs369020218, ClinGen allele CA3729760.